The following is an entry in ClinVar:

ClinVar aggregate classification (germline): Uncertain significance. Review status: criteria provided, multiple submitters, no conflicts (2 of 4 stars). 2 submissions from 2 submitters: Uncertain significance (2). Last evaluated 2025-11-12.

Conditions:
RASopathy. Also called: rasopathies; Noonan spectrum disorder. Identifiers: Orphanet 536391, MedGen C5555857, MONDO:0021060.

Submissions (2):

Labcorp Genetics (formerly Invitae), Labcorp
Classification: Uncertain significance for RASopathy. Last evaluated: 2025-11-12. Review status: criteria provided, single submitter. Criteria: Invitae Variant Classification Sherloc (09022015). Collection method: clinical testing. Allele origin: germline.
Comment: This variant, c.3797_3799del, results in the deletion of 1 amino acid(s) of the SOS1 protein (p.Pro1266del), but otherwise preserves the integrity of the reading frame. This variant is present in population databases (no rsID available, gnomAD 0.0009%). This variant has not been reported in the literature in individuals affected with SOS1-related conditions. ClinVar contains an entry for this variant (Variation ID: 1305667). Experimental studies and prediction algorithms are not available or were not evaluated, and the functional significance of this variant is currently unknown. In summary, the available evidence is currently insufficient to determine the role of this variant in disease. Therefore, it has been classified as a Variant of Uncertain Significance.

GeneDx
Classification: Uncertain significance. Last evaluated: 2023-07-23. Review status: criteria provided, single submitter. Criteria: GeneDx Variant Classification Process June 2021. Collection method: clinical testing. Allele origin: germline. Affected: yes.
Comment: In-frame deletion of 1 amino acid in a non-repeat region; In silico analysis supports a deleterious effect on protein structure/function; Has not been previously published as pathogenic or benign to our knowledge

NM_005633.4(SOS1):c.3794CTC[1] (p.Pro1266del)

Gene: SOS1 (SOS Ras/Rac guanine nucleotide exchange factor 1; minus strand). Cytogenetic location: 2p22.1.
Variant type: Microsatellite.
Coding change: c.3794CTC[1] on transcript NM_005633.4 (MANE Select); one copy of the 3-base unit CTC starting at c.3794; the reference has two copies in a row; one copy, 3 bases deleted.
Protein change: p.Pro1266del; deletes proline 1266.
Molecular consequence: inframe deletion.
Genome position (GRCh38, 1-based): chr2:38,986,027-38,986,029, GAG deleted on the plus strand (CTC on the coding strand, the reverse complement: SOS1 is on the minus strand); deleting any 3 consecutive bases within chr2:38,986,027-38,986,032 gives the same sequence; the position shown is the placement nearest the transcript's 3' end. VCF-style (leftmost placement, unchanged base first): chr2-38986026-TGAG-T. GRCh37 (hg19) VCF-style: chr2-39213167-TGAG-T.
Other names: c.3773CTC[1], p.Pro1259del (NM_001382394.1); c.3749CTC[1], p.Pro1251del (NM_001382395.1); short protein forms P1251del, P1259del, P1266del.
Identifiers: ClinVar variation 1305667 (VCV001305667.4), dbSNP rs1272230145, ClinGen allele CA532237762.